The following is an entry in ClinVar:

ClinVar aggregate classification (germline): Likely benign. Review status: criteria provided, single submitter (1 of 4 stars). 2 submissions from 2 submitters: Likely benign (1). 1 of the submissions does not count toward it. Last evaluated 2024-08-29.

Conditions:
SETD5-related disorder. Also called: SETD5-related disorders; SETD5-related condition.

Allele frequency attached by ClinVar (database versions not stated): ExAC 0.00026; 1000 Genomes Project 30x 0.00094; gnomAD 0.00034; ESP Exome Variant Server 0.00059; TOPMed 0.00042; 1000 Genomes Project 0.00060.
gnomAD v4.1: 128 of 1,611,858 alleles (0.0079%); highest among the groups gnomAD compares: African/African-American, 0.13%; no homozygotes.

Submissions (2):

Labcorp Genetics (formerly Invitae), Labcorp
Classification: Likely benign. Last evaluated: 2024-08-29. Review status: criteria provided, single submitter. Criteria: Invitae Variant Classification Sherloc (09022015). Collection method: clinical testing. Allele origin: germline.

PreventionGenetics, part of Exact Sciences
Classification: Likely benign for SETD5-related condition. Last evaluated: 2022-11-21. Review status: no assertion criteria provided. Collection method: clinical testing. Allele origin: germline. Not counted in ClinVar's aggregate classification.
Comment: This variant is classified as likely benign based on ACMG/AMP sequence variant interpretation guidelines (Richards et al. 2015 PMID: 25741868, with internal and published modifications).

NM_001080517.3(SETD5):c.3116G>A (p.Arg1039His)

Gene: SETD5 (SET domain containing 5; plus strand). Cytogenetic location: 3p25.3.
Variant type: single nucleotide variant.
Coding change: c.3116G>A on transcript NM_001080517.3 (MANE Select); coding-DNA position 3116, G replaced by A.
Protein change: p.Arg1039His; replaces arginine 1039 with histidine.
Molecular consequence: missense variant.
Genome position (GRCh38, 1-based): chr3:9,470,850, G>A. VCF-style: chr3-9470850-G-A. GRCh37 (hg19) VCF-style: chr3-9512534-G-A.
Other names: c.2822G>A, p.Arg941His (NM_001292043.2, NM_001349451.2); short protein forms R1039H, R941H.
Identifiers: ClinVar variation 735506 (VCV000735506.10), dbSNP rs201568605, ClinGen allele CA2239601.